The following is an entry in ClinVar:

NM_181078.3(IL21R):c.946del (p.Val316fs)

Genes: IL21R (interleukin 21 receptor; plus strand), IL21R-AS1 (IL21R antisense RNA 1; minus strand). Cytogenetic location: 16p12.1.
Variant type: Deletion.
Coding change: c.946del on transcript NM_181078.3 (MANE Select); coding-DNA position 946, one base deleted (G; older notation c.946delG).
Protein change: p.Val316fs; shifts the reading frame from valine 316.
Molecular consequence: frameshift variant. On other transcripts: non-coding transcript variant (1).
Genome position (GRCh38, 1-based): chr16:27,448,612, G deleted; the last of 2 consecutive G bases (chr16:27,448,611-27,448,612); deleting either gives the same sequence. VCF-style (leftmost placement, unchanged base first): chr16-27448610-AG-A. GRCh37 (hg19) VCF-style: chr16-27459931-AG-A.
Other names: c.946del, p.Val316fs (NM_021798.4); c.1012del, p.Val338fs (NM_181079.5); short protein forms V316fs, V338fs.
Identifiers: ClinVar variation 1687495 (VCV001687495.1), dbSNP rs2141318549, ClinGen allele CA2573152120.

ClinVar aggregate classification (germline): Likely pathogenic (1 of 4 stars; one submission).

Conditions:
Cryptosporidiosis-chronic cholangitis-liver disease syndrome. Also called: IL21R immunodeficiency; Immunodeficiency type 56. Identifiers: Orphanet 357329, MedGen C3554687, MONDO:0014082, OMIM 615207.

Submission:

3billion
Classification: Likely pathogenic for Cryptosporidiosis-chronic cholangitis-liver disease syndrome. Last evaluated: 2022-05-22. Review status: criteria provided, single submitter. Criteria: ACMG Guidelines, 2015. Collection method: clinical testing. Allele origin: germline. Affected: yes. Observed: 1 homozygote.
Comment: The variant is not observed in the gnomAD v2.1.1 dataset. Frameshift: predicted to result in a loss or disruption of normal protein function through protein truncation. The predicted truncated protein may be shortened by more than 10%. Therefore, this variant is classified as likely pathogenic according to the recommendation of ACMG/AMP guideline.